The following is an entry in ClinVar:

NM_000368.5(TSC1):c.2048C>G (p.Pro683Arg)

Gene: TSC1 (TSC complex subunit 1; minus strand). Cytogenetic location: 9q34.13.
Variant type: single nucleotide variant.
Coding change: c.2048C>G on transcript NM_000368.5 (MANE Select); coding-DNA position 2048, C replaced by G.
Protein change: p.Pro683Arg; replaces proline 683 with arginine.
Molecular consequence: missense variant.
Genome position (GRCh38, 1-based): chr9:132,903,811, G>C on the plus strand (C>G on the coding strand, the complement: TSC1 is on the minus strand). VCF-style: chr9-132903811-G-C. GRCh37 (hg19) VCF-style: chr9-135779198-G-C.
Other names: c.2045C>G, p.Pro682Arg (NM_001162426.2); c.1895C>G, p.Pro632Arg (NM_001162427.2); c.1685C>G, p.Pro562Arg (NM_001362177.2); short protein forms P682R, P562R, P683R, P632R.
Identifiers: ClinVar variation 841983 (VCV000841983.8), dbSNP rs1413960643, ClinGen allele CA375361158.

ClinVar aggregate classification (germline): Conflicting classifications of pathogenicity. Review status: criteria provided, conflicting classifications (1 of 4 stars). 2 submissions from 2 submitters: Uncertain significance (1); Likely benign (1). Last evaluated 2025-01-02.

Conditions:
Tuberous sclerosis 1 (TSC1). Identifiers: Orphanet 805, MedGen C1854465, MONDO:0008612, OMIM 191100.
Hereditary cancer-predisposing syndrome. Also called: Neoplastic Syndromes, Hereditary; Hereditary neoplastic syndrome; Tumor predisposition; Hereditary Cancer Syndrome. Identifiers: Orphanet 140162, MedGen C0027672, MeSH D009386, MONDO:0015356.

Allele frequency attached by ClinVar (database versions not stated): TOPMed below 0.00001; gnomAD 0.00001.
gnomAD v4.1: 2 of 1,613,780 alleles (0.00012%); highest among the groups gnomAD compares: African/African-American, 0.0027%; no homozygotes.

Submissions (2):

Ambry Genetics
Classification: Uncertain significance for Hereditary cancer-predisposing syndrome. Last evaluated: 2025-01-02. Review status: criteria provided, single submitter. Criteria: Ambry Variant Classification Scheme 2023. Collection method: clinical testing. Allele origin: germline.
Comment: The p.P683R variant (also known as c.2048C>G), located in coding exon 15 of the TSC1 gene, results from a C to G substitution at nucleotide position 2048. The proline at codon 683 is replaced by arginine, an amino acid with dissimilar properties. This amino acid position is not well conserved in available vertebrate species. In addition, the in silico prediction for this alteration is inconclusive. Based on the available evidence, the clinical significance of this variant remains unclear.

Labcorp Genetics (formerly Invitae), Labcorp
Classification: Likely benign for Tuberous sclerosis 1. Last evaluated: 2024-12-18. Review status: criteria provided, single submitter. Criteria: Invitae Variant Classification Sherloc (09022015). Collection method: clinical testing. Allele origin: germline.